The following is an entry in ClinVar:

NM_001384732.1(CPLANE1):c.1868dup (p.Leu623fs)

Gene: CPLANE1 (ciliogenesis and planar polarity effector complex subunit 1; minus strand). Cytogenetic location: 5p13.2.
Variant type: Duplication.
Coding change: c.1868dup on transcript NM_001384732.1 (MANE Select); coding-DNA position 1868, one base duplicated (T; older notation c.1868dupT).
Protein change: p.Leu623fs; shifts the reading frame from leucine 623.
Molecular consequence: frameshift variant.
Genome position (GRCh38, 1-based): chr5:37,226,727, A duplicated on the plus strand (T on the coding strand, the reverse complement: CPLANE1 is on the minus strand); the first of 4 consecutive A bases (chr5:37,226,727-37,226,730); duplicating any one gives the same sequence. VCF-style (leftmost placement, unchanged base first): chr5-37226726-T-TA. GRCh37 (hg19) VCF-style: chr5-37226828-T-TA.
Other names: c.1868dup, p.Leu623fs (NM_023073.4); short protein forms L623fs.
Identifiers: ClinVar variation 4813873 (VCV004813873.1).

ClinVar aggregate classification (germline): Likely pathogenic (1 of 4 stars; one submission).

Conditions:
Focal segmental glomerulosclerosis (FSGS). Also called: Glomerulosclerosis, focal; Focal sclerosis with hyalinosis. Identifiers: MedGen C0017668, MONDO:0100313, HP:0000097. Disease mechanism: loss of function.

Submission:

Molecular Lab, University of Sulaimaniyah
Classification: Likely pathogenic for Focal segmental glomerulosclerosis. Last evaluated: 2026-03-12. Review status: criteria provided, single submitter. Criteria: ACMG Guidelines, 2015. Collection method: clinical testing. Allele origin: germline. Inheritance: Autosomal recessive inheritance. Affected: yes. Observed: 3 variant alleles, 3 homozygotes.
Comment: This variant was classified using the ACMG/AMP 2015 framework (PMID:25741868). PVS1 was applied because CPLANE1 c.1868_1869insT is a predicted loss-of-function frameshift variant expected to create a premature termination codon in a recessive ciliopathy-associated gene for which loss of function is an established disease mechanism. As additional case-level support in our dataset, the variant was recurrently observed in 3 homozygous affected individuals from an adult biopsy-proven focal segmental glomerulosclerosis cohort (35 individuals tested), and the genotype pattern is consistent with a recessive disease mechanism. The submitted classification reflects this combination of variant type, gene-disease mechanism, and internal observation data. Overall, the weight of evidence supported a Likely pathogenic classification.